The following is an entry in ClinVar:

ClinVar aggregate classification (germline): Pathogenic (1 of 4 stars; one submission).

Submission:

Labcorp Genetics (formerly Invitae), Labcorp
Classification: Pathogenic. Last evaluated: 2023-02-25. Review status: criteria provided, single submitter. Criteria: Invitae Variant Classification Sherloc (09022015). Collection method: clinical testing. Allele origin: germline.
Comment: This sequence change creates a premature translational stop signal (p.Arg185Glufs*18) in the EIF2B2 gene. It is expected to result in an absent or disrupted protein product. Loss-of-function variants in EIF2B2 are known to be pathogenic (PMID: 11704758, 12707859). For these reasons, this variant has been classified as Pathogenic. This premature translational stop signal has been observed in individual(s) with vanishing white matter (PMID: 16807905). This variant is not present in population databases (gnomAD no frequency).

Literature cited by the submitters: PubMed 11704758; PubMed 12707859; PubMed 16807905.

NM_014239.4(EIF2B2):c.551dup (p.Arg185fs)

Gene: EIF2B2 (eukaryotic translation initiation factor 2B subunit beta; plus strand). Cytogenetic location: 14q24.3.
Variant type: Duplication.
Coding change: c.551dup on transcript NM_014239.4 (MANE Select); coding-DNA position 551, one base duplicated (A; older notation c.551dupA).
Protein change: p.Arg185fs; shifts the reading frame from arginine 185.
Molecular consequence: frameshift variant.
Genome position (GRCh38, 1-based): chr14:75,004,854, A duplicated; the last of 3 consecutive A bases (chr14:75,004,852-75,004,854); duplicating any one gives the same sequence. VCF-style (leftmost placement, unchanged base first): chr14-75004851-G-GA. GRCh37 (hg19) VCF-style: chr14-75471554-G-GA.
Other names: short protein forms R185fs.
Identifiers: ClinVar variation 2736128 (VCV002736128.3), dbSNP rs2503006105, ClinGen allele CA2575590204.